The following is an entry in ClinVar:

NM_033225.6(CSMD1):c.4014G>A (p.Pro1338=)

Gene: CSMD1 (CUB and Sushi multiple domains 1; minus strand). Cytogenetic location: 8p23.2.
Variant type: single nucleotide variant.
Coding change: c.4014G>A on transcript NM_033225.6 (MANE Select); coding-DNA position 4014, G replaced by A.
Protein change: p.Pro1338=; no amino-acid change (proline 1338 retained).
Molecular consequence: synonymous variant.
Genome position (GRCh38, 1-based): chr8:3,284,283, C>T on the plus strand (G>A on the coding strand, the complement: CSMD1 is on the minus strand). VCF-style: chr8-3284283-C-T. GRCh37 (hg19) VCF-style: chr8-3141805-C-T.
Identifiers: ClinVar variation 3771540 (VCV003771540.13).

ClinVar aggregate classification (germline): Likely benign (1 of 4 stars; one submission).

gnomAD v4.1: 55 of 1,613,796 alleles (0.0034%); highest among the groups gnomAD compares: Non-Finnish European, 0.0044%; no homozygotes.

Submission:

CeGaT Center for Human Genetics Tuebingen
Classification: Likely benign. Last evaluated: 2025-02-01. Review status: criteria provided, single submitter. Criteria: CeGaT Center For Human Genetics Tuebingen Variant Classification Criteria Version 2. Collection method: clinical testing. Allele origin: germline. Affected: yes. Observed: 1 variant allele.
Comment: CSMD1: BP4, BP7